The following is an entry in ClinVar:

NM_001848.3(COL6A1):c.1931G>A (p.Arg644Gln)

Gene: COL6A1 (collagen type VI alpha 1 chain; plus strand). Cytogenetic location: 21q22.3.
Variant type: single nucleotide variant.
Coding change: c.1931G>A on transcript NM_001848.3 (MANE Select); coding-DNA position 1931, G replaced by A.
Protein change: p.Arg644Gln; replaces arginine 644 with glutamine.
Molecular consequence: missense variant.
Genome position (GRCh38, 1-based): chr21:46,001,361, G>A. VCF-style: chr21-46001361-G-A. GRCh37 (hg19) VCF-style: chr21-47421275-G-A.
Identifiers: ClinVar variation 93840 (VCV000093840.18), dbSNP rs398123634, ClinGen allele CA221761.

ClinVar aggregate classification (germline): Conflicting classifications of pathogenicity. Review status: criteria provided, conflicting classifications (1 of 4 stars). 5 submissions from 5 submitters: Uncertain significance (4); Benign (1). Last evaluated 2025-11-05.

Conditions:
Bethlem myopathy 1A. Also called: Bethlem myopathy 1; Bethlem Muscular Dystrophy; MYOPATHY, BENIGN CONGENITAL, WITH CONTRACTURES. Identifiers: Orphanet 610, MedGen CN029274, MONDO:0024530, OMIM 158810.

Allele frequency attached by ClinVar (database versions not stated): gnomAD 0.00003; TOPMed 0.00006; ExAC 0.00007; 1000 Genomes Project 30x 0.00016; gnomAD exomes 0.00005 and 0.00007; 1000 Genomes Project 0.00020.
gnomAD v4.1: 105 of 1,612,148 alleles (0.0065%); highest among the groups gnomAD compares: African/African-American, 0.0093%; 1 homozygote.

Submissions (5):

Women's Health and Genetics/Laboratory Corporation of America, LabCorp
Classification: Uncertain significance. Last evaluated: 2025-11-05. Review status: criteria provided, single submitter. Criteria: LabCorp Variant Classification Summary - May 2015. Collection method: clinical testing. Allele origin: germline.
Comment: Variant summary: COL6A1 c.1931G>A (p.Arg644Gln) results in a conservative amino acid change in the encoded protein sequence. Algorithms developed to predict the effect of missense changes on protein structure and function are either unavailable or do not agree on the potential impact of this missense change. The variant allele was found at a frequency of 5.2e-05 in 249424 control chromosomes in the gnomAD database, including 1 homozygotes. This frequency is not significantly higher than estimated for disease-causing variants in COL6A1, allowing no conclusion about variant significance. c.1931G>A has been observed in an individual affected with Congenital Muscular Dystrophy without unequivocal evidence for causality (Valencia_2013). These report(s) do not provide unequivocal conclusions about association of the variant with Ullrich congenital muscular dystrophy 1. To our knowledge, no experimental evidence demonstrating an impact on protein function has been reported. The following publication have been ascertained in the context of this evaluation (PMID: 23326386). ClinVar contains an entry for this variant (Variation ID: 93840). Based on the evidence outlined above, the variant was classified as uncertain significance.

Labcorp Genetics (formerly Invitae), Labcorp
Classification: Benign for Bethlem myopathy 1A. Last evaluated: 2024-08-29. Review status: criteria provided, single submitter. Criteria: Invitae Variant Classification Sherloc (09022015). Collection method: clinical testing. Allele origin: germline.

GeneDx
Classification: Uncertain significance. Last evaluated: 2023-04-27. Review status: criteria provided, single submitter. Criteria: GeneDx Variant Classification Process June 2021. Collection method: clinical testing. Allele origin: germline. Affected: yes.
Comment: Observed as heterozygous variant in patient with hyperCKemia in published literature (Valencia et al., 2013); In silico analysis supports that this missense variant has a deleterious effect on protein structure/function; This variant is associated with the following publications: (PMID: 23326386)

Revvity Omics, Revvity
Classification: Uncertain significance. Last evaluated: 2019-07-08. Review status: criteria provided, single submitter. Criteria: ACMG Guidelines, 2015. Collection method: clinical testing. Allele origin: germline.

Eurofins Ntd Llc (ga)
Classification: Uncertain significance. Last evaluated: 2018-04-20. Review status: criteria provided, single submitter. Criteria: EGL ClinVar v180209 classification definitions. Collection method: clinical testing. Allele origin: germline. Observed: 2 variant alleles, 2 heterozygotes.

Literature cited by the submitters: PubMed 23326386 (cited by Women's Health and Genetics/Laboratory Corporation of America, LabCorp).